The following is an entry in ClinVar:

ClinVar aggregate classification (germline): Uncertain significance. Review status: criteria provided, multiple submitters, no conflicts (2 of 4 stars). 2 submissions from 2 submitters: Uncertain significance (2). Last evaluated 2025-08-21.

Allele frequency attached by ClinVar (database versions not stated): ExAC 0.00001; gnomAD 0.00001; TOPMed 0.00002; gnomAD exomes 0.00007; ESP Exome Variant Server 0.00015.
gnomAD v4.1: 98 of 1,610,760 alleles (0.0061%); highest among the groups gnomAD compares: Non-Finnish European, 0.0082%; no homozygotes.

Submissions (2):

Ambry Genetics
Classification: Uncertain significance. Last evaluated: 2025-08-21. Review status: criteria provided, single submitter. Criteria: Ambry Variant Classification Scheme 2023. Collection method: clinical testing. Allele origin: germline.

Labcorp Genetics (formerly Invitae), Labcorp
Classification: Uncertain significance. Last evaluated: 2025-03-24. Review status: criteria provided, single submitter. Criteria: Invitae Variant Classification Sherloc (09022015). Collection method: clinical testing. Allele origin: germline.
Comment: This sequence change replaces glutamic acid, which is acidic and polar, with lysine, which is basic and polar, at codon 224 of the IFT88 protein (p.Glu224Lys). This variant is present in population databases (rs370019363, gnomAD 0.004%). This variant has not been reported in the literature in individuals affected with IFT88-related conditions. ClinVar contains an entry for this variant (Variation ID: 2172095). An algorithm developed to predict the effect of missense changes on protein structure and function (PolyPhen-2) suggests that this variant is likely to be disruptive. In summary, the available evidence is currently insufficient to determine the role of this variant in disease. Therefore, it has been classified as a Variant of Uncertain Significance.

NM_006531.5(IFT88):c.643G>A (p.Glu215Lys)

Gene: IFT88 (intraflagellar transport 88; plus strand). Cytogenetic location: 13q12.11.
Variant type: single nucleotide variant.
Coding change: c.643G>A on transcript NM_006531.5 (MANE Select); coding-DNA position 643, G replaced by A.
Protein change: p.Glu215Lys; replaces glutamic acid 215 with lysine.
Molecular consequence: missense variant. On other transcripts: non-coding transcript variant (5).
Genome position (GRCh38, 1-based): chr13:20,598,699, G>A. VCF-style: chr13-20598699-G-A. GRCh37 (hg19) VCF-style: chr13-21172838-G-A.
Other names: c.586G>A, p.Glu196Lys (NM_001318491.2, NM_001353573.2, NM_001353574.2 and 1 more transcripts); c.670G>A, p.Glu224Lys (NM_001318493.2, NM_001353565.2, NM_001353566.2 and 6 more transcripts); c.643G>A, p.Glu215Lys (NM_001353568.2, NM_001353571.2, NM_001353572.2 and 1 more transcripts); c.10G>A, p.Glu4Lys (NM_001353579.2); c.670G>A (NM_175605.3); short protein forms E224K, E4K, E196K, E215K.
Identifiers: ClinVar variation 2172095 (VCV002172095.5), dbSNP rs370019363, ClinGen allele CA6905154.